The following is an entry in ClinVar:

ClinVar aggregate classification (germline): Conflicting classifications of pathogenicity. Review status: criteria provided, conflicting classifications (1 of 4 stars). 2 submissions from 2 submitters: Uncertain significance (1); Likely benign (1). Last evaluated 2025-03-28.

Conditions:
Hereditary cancer-predisposing syndrome. Also called: Neoplastic Syndromes, Hereditary; Tumor predisposition; Hereditary neoplastic syndrome; Hereditary Cancer Syndrome. Identifiers: Orphanet 140162, MedGen C0027672, MeSH D009386, MONDO:0015356.
POLD1-related polyposis and colorectal cancer syndrome (CRCS10). Also called: COLORECTAL CANCER, SUSCEPTIBILITY TO, ON CHROMOSOME 19q; Colorectal cancer 10; Colorectal cancer, susceptibility to, 10. Identifiers: Orphanet 220460, MedGen C2675481, MONDO:0012953, OMIM 612591.

gnomAD v4.1: 1 of 1,613,680 alleles (0.000062%); highest among the groups gnomAD compares: Admixed American, 0.0017%; no homozygotes.

Submissions (2):

Ambry Genetics
Classification: Likely benign for Hereditary cancer-predisposing syndrome. Last evaluated: 2025-03-28. Review status: criteria provided, single submitter. Criteria: Ambry Variant Classification Scheme 2023. Collection method: clinical testing. Allele origin: germline.

Labcorp Genetics (formerly Invitae), Labcorp
Classification: Uncertain significance for POLD1-related polyposis and colorectal cancer syndrome. Last evaluated: 2022-10-10. Review status: criteria provided, single submitter. Criteria: Invitae Variant Classification Sherloc (09022015). Collection method: clinical testing. Allele origin: germline.
Comment: In summary, the available evidence is currently insufficient to determine the role of this variant in disease. Therefore, it has been classified as a Variant of Uncertain Significance. Advanced modeling of protein sequence and biophysical properties (such as structural, functional, and spatial information, amino acid conservation, physicochemical variation, residue mobility, and thermodynamic stability) performed at Invitae indicates that this missense variant is not expected to disrupt POLD1 protein function. This variant has not been reported in the literature in individuals affected with POLD1-related conditions. This variant is not present in population databases (gnomAD no frequency). This sequence change replaces proline, which is neutral and non-polar, with glutamine, which is neutral and polar, at codon 185 of the POLD1 protein (p.Pro185Gln).

NM_002691.4(POLD1):c.554C>A (p.Pro185Gln)

Gene: POLD1 (DNA polymerase delta 1, catalytic subunit; plus strand). Cytogenetic location: 19q13.33.
Variant type: single nucleotide variant.
Coding change: c.554C>A on transcript NM_002691.4 (MANE Select); coding-DNA position 554, C replaced by A.
Protein change: p.Pro185Gln; replaces proline 185 with glutamine.
Molecular consequence: missense variant. On other transcripts: non-coding transcript variant (1).
Genome position (GRCh38, 1-based): chr19:50,402,089, C>A. VCF-style: chr19-50402089-C-A. GRCh37 (hg19) VCF-style: chr19-50905346-C-A.
Other names: c.554C>A, p.Pro185Gln (NM_001256849.1, NM_001308632.1); c.554C>A (NM_002691.2); short protein forms P185Q.
Identifiers: ClinVar variation 1721375 (VCV001721375.6), dbSNP rs370292497, ClinGen allele CA406973322.